The following is an entry in ClinVar:

NM_005548.3(KARS1):c.162T>C (p.Ala54=)

Gene: KARS1 (lysyl-tRNA synthetase 1; minus strand). Cytogenetic location: 16q23.1.
Variant type: single nucleotide variant.
Coding change: c.162T>C on transcript NM_005548.3 (MANE Select); coding-DNA position 162, T replaced by C.
Protein change: p.Ala54=; no amino-acid change (alanine 54 retained).
Molecular consequence: synonymous variant. On other transcripts: 5 prime UTR variant (1).
Genome position (GRCh38, 1-based): chr16:75,641,624, A>G on the plus strand (T>C on the coding strand, the complement: KARS1 is on the minus strand). VCF-style: chr16-75641624-A-G. GRCh37 (hg19) VCF-style: chr16-75675522-A-G.
Other names: c.246T>C, p.Ala82= (NM_001130089.2); c.-307T>C (NM_001378148.1).
Identifiers: ClinVar variation 2176235 (VCV002176235.6), dbSNP rs761658967, ClinGen allele CA8177736.
Genomic context (GRCh38, chr16:75,641,624, plus strand): 5'-ATTTGGGTCCACGCTCTCTTCCTCAGGACCCACACCATTATCAGTGGTGTGGTTGGTGGC[A>G]GCAGCAGTGGCTTGGCTTAGCTGTTTCTCACTGAGCTCTTTCTGTTTGGCCTCCTTCTCT-3'
Protein context (NP_005539.1, residues 44-64): SEKQLSQATA[Ala54=]ATNHTTDNGV

ClinVar aggregate classification (germline): Likely benign. Review status: criteria provided, multiple submitters, no conflicts (2 of 4 stars). 3 submissions from 3 submitters: Likely benign (3). Last evaluated 2026-07-01.

Conditions:
KARS1-related disorder. Also called: KARS1-related disorders.

Allele frequency attached by ClinVar (database versions not stated): gnomAD 0.00004; gnomAD exomes 0.00006; TOPMed 0.00008; ExAC 0.00012.
gnomAD v4.1: 43 of 1,613,914 alleles (0.0027%); highest among the groups gnomAD compares: Admixed American, 0.072%; no homozygotes.

Submissions (3):

CeGaT Center for Human Genetics Tuebingen
Classification: Likely benign. Last evaluated: 2026-07-01. Review status: criteria provided, single submitter. Criteria: CeGaT Center For Human Genetics Tuebingen Variant Classification Criteria Version 2. Collection method: clinical testing. Allele origin: germline. Affected: yes. Observed: 1 variant allele.
Comment: KARS1: BP4, BP7

PreventionGenetics, part of Exact Sciences
Classification: Likely benign for KARS1-related condition. Last evaluated: 2026-02-11. Review status: criteria provided, single submitter. Criteria: ACMG Guidelines, 2015. Collection method: clinical testing. Allele origin: germline.
Comment: This variant is classified as likely benign based on ACMG/AMP sequence variant interpretation guidelines (Richards et al. 2015 PMID: 25741868, with internal and published modifications).

Labcorp Genetics (formerly Invitae), Labcorp
Classification: Likely benign. Last evaluated: 2025-12-27. Review status: criteria provided, single submitter. Criteria: Invitae Variant Classification Sherloc (09022015). Collection method: clinical testing. Allele origin: germline.